The following is an entry in ClinVar:

NM_000092.5(COL4A4):c.1246C>G (p.Pro416Ala)

Gene: COL4A4 (collagen type IV alpha 4 chain; minus strand). Cytogenetic location: 2q36.3.
Variant type: single nucleotide variant.
Coding change: c.1246C>G on transcript NM_000092.5 (MANE Select); coding-DNA position 1246, C replaced by G.
Protein change: p.Pro416Ala; replaces proline 416 with alanine.
Molecular consequence: missense variant.
Genome position (GRCh38, 1-based): chr2:227,094,248, G>C on the plus strand (C>G on the coding strand, the complement: COL4A4 is on the minus strand). VCF-style: chr2-227094248-G-C. GRCh37 (hg19) VCF-style: chr2-227958964-G-C.
Other names: short protein forms P416A.
Identifiers: ClinVar variation 930187 (VCV000930187.17), dbSNP rs372841765, ClinGen allele CA2145229.
Genomic context (GRCh38, chr2:227,094,248, plus strand): 5'-CTGGTTTTCCTGGAGCAGAATCAGGTCTCCCAGGAATACCAGCTTCTCCTGGAAGCCCAG[G>C]AAGACCAGGAAATCCTTGTGGCCCAGGGGGTCCTATCATGCCTGCAAGATAAATCAAGAA-3'
Protein context (NP_000083.3, residues 406-426): PPGPQGFPGL[Pro416Ala]GLPGEAGIPG

ClinVar aggregate classification (germline): Conflicting classifications of pathogenicity. Review status: criteria provided, conflicting classifications (1 of 4 stars). 8 submissions from 8 submitters: Uncertain significance (7); Likely benign (1). Last evaluated 2026-02-12.

Conditions:
COL4A4-related disorder.
Glomerulonephritis. Also called: Glomerulonephritis (disease). Identifiers: MedGen C0017658, MONDO:0002462, HP:0000099.
Autosomal recessive Alport syndrome (ATS2). Also called: Alport syndrome type 2; COL4A4 Alport Syndrome and Thin Basement Membrane Nephropathy; ALPORT SYNDROME 2, AUTOSOMAL RECESSIVE; COL4A3-Related Nephropathy. Identifiers: Orphanet 63, Orphanet 88919, MedGen C4746745, MONDO:0008762, OMIM 203780.
Inborn genetic diseases. Identifiers: MedGen C0950123, MeSH D030342.
Hematuria, benign familial, 1 (BFH1). Also called: THIN MEMBRANE NEPHROPATHY. Identifiers: MedGen CN376803, MONDO:0007709, OMIM 141200.

Allele frequency attached by ClinVar (database versions not stated): ExAC 0.00003; ESP Exome Variant Server 0.00017; gnomAD 0.00018; TOPMed 0.00015.
gnomAD v4.1: 50 of 1,613,880 alleles (0.0031%); highest among the groups gnomAD compares: African/African-American, 0.06%; no homozygotes.

Submissions (8):

GeneDx
Classification: Uncertain significance. Last evaluated: 2026-02-12. Review status: criteria provided, single submitter. Criteria: GeneDx Variant Classification Process June 2021. Collection method: clinical testing. Allele origin: germline.
Comment: Observed with a COL4A4 deletion phase unknown in a patient with kidney disease, but additional evidence is not available (PMID: 36938085); Occurs in the triple helical domain at the Y position in the canonical Gly-X-Y repeat; although this variant may have an effect on normal protein folding and function, missense substitution at the Y position is not a common mechanism of disease; In silico analysis suggests that this missense variant does not alter protein structure/function; This variant is associated with the following publications: (PMID: 38471460, 36938085)

Labcorp Genetics (formerly Invitae), Labcorp
Classification: Likely benign. Last evaluated: 2026-01-03. Review status: criteria provided, single submitter. Criteria: Invitae Variant Classification Sherloc (09022015). Collection method: clinical testing. Allele origin: germline.

Ambry Genetics
Classification: Uncertain significance for Inborn genetic diseases. Last evaluated: 2025-12-09. Review status: criteria provided, single submitter. Criteria: Ambry Variant Classification Scheme 2023. Collection method: clinical testing. Allele origin: germline.

PreventionGenetics, part of Exact Sciences
Classification: Uncertain significance for COL4A4-related condition. Last evaluated: 2025-10-08. Review status: criteria provided, single submitter. Criteria: ACMG Guidelines, 2015. Collection method: clinical testing. Allele origin: germline.
Comment: The COL4A4 c.1246C>G variant is predicted to result in the amino acid substitution p.Pro416Ala. This variant has been reported along with another COL4A4 variant in an individual with nephropathy (Table S3, Doreille et al. 2023. PubMed ID: 36938085). This variant is present in 0.033% of alleles in individuals of African descent in gnomAD. At this time, the clinical significance of this variant is uncertain due to the absence of conclusive functional and genetic evidence.

Molecular Genetics McLendon Clinical Laboratories, University of North Carolina at Chapel Hill
Classification: Uncertain significance for Autosomal recessive Alport syndrome. Last evaluated: 2024-05-31. Review status: criteria provided, single submitter. Criteria: ACMG Guidelines, 2015. Collection method: clinical testing. Allele origin: germline.

Fulgent Genetics
Classification: Uncertain significance for Hematuria, benign familial, 1; Autosomal recessive Alport syndrome. Last evaluated: 2024-05-10. Review status: criteria provided, single submitter. Criteria: ACMG Guidelines, 2015. Collection method: clinical testing. Allele origin: germline.

UNC Molecular Genetics  Laboratory, University of North Carolina at Chapel Hill
Classification: Uncertain significance for Glomerulonephritis. Last evaluated: 2019-08-28. Review status: criteria provided, single submitter. Criteria: ACMG Guidelines, 2015. Collection method: clinical testing. Allele origin: germline. Affected: yes. Observed: 1 compound heterozygote.

Breakthrough Genomics
Classification: Uncertain significance. Review status: criteria provided, single submitter. Criteria: ACMG Guidelines, 2015. Collection method: not provided. Allele origin: germline. Inheritance: Autosomal recessive inheritance. Affected: yes.